The following is an entry in ClinVar:

NM_130837.3(OPA1):c.3016G>A (p.Ala1006Thr)

Gene: OPA1 (OPA1 mitochondrial dynamin like GTPase; plus strand). Cytogenetic location: 3q29.
Variant type: single nucleotide variant.
Coding change: c.3016G>A on transcript NM_130837.3 (MANE Select); coding-DNA position 3016, G replaced by A.
Protein change: p.Ala1006Thr; replaces alanine 1006 with threonine.
Molecular consequence: missense variant.
Genome position (GRCh38, 1-based): chr3:193,692,095, G>A. VCF-style: chr3-193692095-G-A. GRCh37 (hg19) VCF-style: chr3-193409884-G-A.
Other names: c.2482G>A, p.Ala828Thr (NM_001354663.2); c.2479G>A, p.Ala827Thr (NM_001354664.2); c.2851G>A, p.Ala951Thr (NM_015560.3); c.2743G>A, p.Ala915Thr (NM_130831.3); c.2797G>A, p.Ala933Thr (NM_130832.3); c.2854G>A, p.Ala952Thr (NM_130833.3); c.2905G>A, p.Ala969Thr (NM_130834.3); c.2908G>A, p.Ala970Thr (NM_130835.3); and 1 more; short protein forms A933T, A988T, A1006T, A952T, A969T, A828T, A970T, A827T.
Identifiers: ClinVar variation 902537 (VCV000902537.11), dbSNP rs1166323851, ClinGen allele CA355873275.

ClinVar aggregate classification (germline): Uncertain significance. Review status: criteria provided, multiple submitters, no conflicts (2 of 4 stars). 2 submissions from 2 submitters: Uncertain significance (2). Last evaluated 2022-12-07.

Conditions:
Autosomal dominant optic atrophy classic form (OPA1). Also called: KJER-TYPE OPTIC ATROPHY; OPTIC ATROPHY, JUVENILE; Optic Atrophy Type 1. Identifiers: Orphanet 98673, MedGen C0338508, MONDO:0008134, OMIM 165500.

Allele frequency attached by ClinVar (database versions not stated): gnomAD 0.00001.

Submissions (2):

Labcorp Genetics (formerly Invitae), Labcorp
Classification: Uncertain significance. Last evaluated: 2022-12-07. Review status: criteria provided, single submitter. Criteria: Invitae Variant Classification Sherloc (09022015). Collection method: clinical testing. Allele origin: germline.
Comment: In summary, the available evidence is currently insufficient to determine the role of this variant in disease. Therefore, it has been classified as a Variant of Uncertain Significance. Advanced modeling of protein sequence and biophysical properties (such as structural, functional, and spatial information, amino acid conservation, physicochemical variation, residue mobility, and thermodynamic stability) performed at Invitae indicates that this missense variant is not expected to disrupt OPA1 protein function. ClinVar contains an entry for this variant (Variation ID: 902537). This variant has not been reported in the literature in individuals affected with OPA1-related conditions. This variant is present in population databases (no rsID available, gnomAD 0.007%). This sequence change replaces alanine, which is neutral and non-polar, with threonine, which is neutral and polar, at codon 951 of the OPA1 protein (p.Ala951Thr).

Illumina Laboratory Services, Illumina
Classification: Uncertain significance for Autosomal dominant optic atrophy classic form. Last evaluated: 2018-03-30. Review status: criteria provided, single submitter. Criteria: ICSL Variant Classification Criteria 13 December 2019. Collection method: clinical testing. Allele origin: germline.